The following is an entry in ClinVar:

NM_000535.7(PMS2):c.1565G>C (p.Ser522Thr)

Gene: PMS2 (PMS1 homolog 2, mismatch repair system component; minus strand). Cytogenetic location: 7p22.1.
Variant type: single nucleotide variant.
Coding change: c.1565G>C on transcript NM_000535.7 (MANE Select); coding-DNA position 1565, G replaced by C.
Protein change: p.Ser522Thr; replaces serine 522 with threonine.
Molecular consequence: missense variant. On other transcripts: non-coding transcript variant (1).
Genome position (GRCh38, 1-based): chr7:5,987,200, C>G on the plus strand (G>C on the coding strand, the complement: PMS2 is on the minus strand). VCF-style: chr7-5987200-C-G. GRCh37 (hg19) VCF-style: chr7-6026831-C-G.
Other names: c.1160G>C, p.Ser387Thr (NM_001322003.2, NM_001322004.2, NM_001322005.2 and 1 more transcripts); c.1409G>C, p.Ser470Thr (NM_001322006.2); c.1247G>C, p.Ser416Thr (NM_001322007.2, NM_001322008.2); c.1004G>C, p.Ser335Thr (NM_001322010.2); c.632G>C, p.Ser211Thr (NM_001322011.2, NM_001322012.2); c.992G>C, p.Ser331Thr (NM_001322013.2); c.1565G>C, p.Ser522Thr (NM_001322014.2); c.1256G>C, p.Ser419Thr (NM_001322015.2); short protein forms S211T, S331T, S335T, S387T, S416T, S419T, S470T, S522T.
Identifiers: ClinVar variation 1021655 (VCV001021655.12), dbSNP rs1783049434, ClinGen allele CA366741577.

ClinVar aggregate classification (germline): Uncertain significance. Review status: criteria provided, multiple submitters, no conflicts (2 of 4 stars). 4 submissions from 4 submitters: Uncertain significance (4). Last evaluated 2025-11-16.

Conditions:
Lynch syndrome. Identifiers: Orphanet 144, MedGen C4552100, MONDO:0005835. Disease mechanism: loss of function.
Hereditary nonpolyposis colorectal neoplasms. Identifiers: MedGen C0009405, MeSH D003123.
Hereditary cancer-predisposing syndrome. Also called: Hereditary Cancer Syndrome; Neoplastic Syndromes, Hereditary; Tumor predisposition; Hereditary neoplastic syndrome. Identifiers: Orphanet 140162, MedGen C0027672, MeSH D009386, MONDO:0015356.
Lynch syndrome 4 (LYNCH4). Also called: Colorectal cancer, hereditary nonpolyposis, type 4; Hereditary non-polyposis colorectal cancer, type 4. Identifiers: Orphanet 144, MedGen C1838333, MONDO:0013699, OMIM 614337. Disease mechanism: loss of function.
Mismatch repair cancer syndrome 4. Identifiers: MedGen C5436817, MONDO:0030843, OMIM 619101.

Submissions (4):

Labcorp Genetics (formerly Invitae), Labcorp
Classification: Uncertain significance for Hereditary nonpolyposis colorectal neoplasms. Last evaluated: 2025-11-16. Review status: criteria provided, single submitter. Criteria: Invitae Variant Classification Sherloc (09022015). Collection method: clinical testing. Allele origin: germline.
Comment: This sequence change replaces serine, which is neutral and polar, with threonine, which is neutral and polar, at codon 522 of the PMS2 protein (p.Ser522Thr). This variant is not present in population databases (gnomAD no frequency). This variant has not been reported in the literature in individuals affected with PMS2-related conditions. ClinVar contains an entry for this variant (Variation ID: 1021655). Invitae Evidence Modeling incorporating data from in vitro experimental studies (internal data) indicates that this missense variant is not expected to disrupt PMS2 function with a negative predictive value of 95%. In summary, the available evidence is currently insufficient to determine the role of this variant in disease. Therefore, it has been classified as a Variant of Uncertain Significance.

All of Us Research Program, National Institutes of Health
Classification: Uncertain significance for Lynch syndrome. Last evaluated: 2024-08-06. Review status: criteria provided, single submitter. Criteria: ACMG Guidelines, 2015. Collection method: clinical testing. Allele origin: germline. Inheritance: Autosomal dominant inheritance. Observed: 1 variant allele, 1 heterozygote.
Comment: This study involves interpretation of variants in research participants for the purpose of population health screening. Participant phenotype was not available at the time of variant classification. Additional details can be found in publication PMID: 35346344, PMCID: PMC8962531

Ambry Genetics
Classification: Uncertain significance for Hereditary cancer-predisposing syndrome. Last evaluated: 2024-04-09. Review status: criteria provided, single submitter. Criteria: Ambry Variant Classification Scheme 2023. Collection method: clinical testing. Allele origin: germline.
Comment: The p.S522T variant (also known as c.1565G>C), located in coding exon 11 of the PMS2 gene, results from a G to C substitution at nucleotide position 1565. The serine at codon 522 is replaced by threonine, an amino acid with similar properties. This amino acid position is not well conserved in available vertebrate species. In addition, this alteration is predicted to be tolerated by in silico analysis. Since supporting evidence is limited at this time, the clinical significance of this alteration remains unclear.

Department of Pathology and Laboratory Medicine, Sinai Health System
Classification: Uncertain significance for Lynch syndrome 4; Mismatch repair cancer syndrome 4. Last evaluated: 2021-11-23. Review status: criteria provided, single submitter. Criteria: ACMG Guidelines, 2015. Collection method: clinical testing. Allele origin: germline.